The following is an entry in ClinVar:

NM_001271.4(CHD2):c.458A>G (p.Gln153Arg)

Gene: CHD2 (chromodomain helicase DNA binding protein 2; plus strand). Cytogenetic location: 15q26.1.
Variant type: single nucleotide variant.
Coding change: c.458A>G on transcript NM_001271.4 (MANE Select); coding-DNA position 458, A replaced by G.
Protein change: p.Gln153Arg; replaces glutamine 153 with arginine.
Molecular consequence: missense variant.
Genome position (GRCh38, 1-based): chr15:92,937,532, A>G. VCF-style: chr15-92937532-A-G. GRCh37 (hg19) VCF-style: chr15-93480762-A-G.
Other names: c.458A>G, p.Gln153Arg (NM_001042572.3); short protein forms Q153R.
Identifiers: ClinVar variation 862661 (VCV000862661.11), dbSNP rs373051961, ClinGen allele CA7747538.
Genomic context (GRCh38, chr15:92,937,532, plus strand): 5'-AGGATTCTTTTAGAAAAAAATTACTTTGTTTTGCTTTTGATCACAGAGAAAAATGGAAAC[A>G]GGAACCCTCAGAAGATGAACAGGAACAAGGCACCAGTGCAGAGAGTGAGCCAGAACAAAA-3'
Protein context (NP_001262.3, residues 143-163): RQLKKQEKWK[Gln153Arg]EPSEDEQEQG

ClinVar aggregate classification (germline): Conflicting classifications of pathogenicity. Review status: criteria provided, conflicting classifications (1 of 4 stars). 2 submissions from 2 submitters: Uncertain significance (1); Likely benign (1). Last evaluated 2025-05-02.

Conditions:
Developmental and epileptic encephalopathy 94 (DEE94). Also called: CHD2-Related Neurodevelopmental Disorders; Epileptic encephalopathy, childhood-onset. Identifiers: Orphanet 1942, Orphanet 2382, MedGen C3809278, MONDO:0014150, OMIM 615369.

Allele frequency attached by ClinVar (database versions not stated): gnomAD exomes 0.00001; ExAC 0.00003; gnomAD 0.00004; TOPMed 0.00006; ESP Exome Variant Server 0.00008.
gnomAD v4.1: 16 of 1,608,450 alleles (0.00099%); highest among the groups gnomAD compares: African/African-American, 0.013%; no homozygotes.

Submissions (2):

Labcorp Genetics (formerly Invitae), Labcorp
Classification: Uncertain significance for Developmental and epileptic encephalopathy 94. Last evaluated: 2025-05-02. Review status: criteria provided, single submitter. Criteria: Invitae Variant Classification Sherloc (09022015). Collection method: clinical testing. Allele origin: germline.
Comment: This sequence change replaces glutamine, which is neutral and polar, with arginine, which is basic and polar, at codon 153 of the CHD2 protein (p.Gln153Arg). The frequency data for this variant in the population databases is considered unreliable, as metrics indicate poor data quality at this position in the gnomAD database. This variant has not been reported in the literature in individuals affected with CHD2-related conditions. ClinVar contains an entry for this variant (Variation ID: 862661). Invitae Evidence Modeling of protein sequence and biophysical properties (such as structural, functional, and spatial information, amino acid conservation, physicochemical variation, residue mobility, and thermodynamic stability) indicates that this missense variant is not expected to disrupt CHD2 protein function with a negative predictive value of 95%. In summary, the available evidence is currently insufficient to determine the role of this variant in disease. Therefore, it has been classified as a Variant of Uncertain Significance.

GeneDx
Classification: Likely benign. Last evaluated: 2019-10-02. Review status: criteria provided, single submitter. Criteria: GeneDx Variant Classification Process June 2021. Collection method: clinical testing. Allele origin: germline. Affected: yes.